The following is an entry in ClinVar:

ClinVar aggregate classification (germline): Likely benign. Review status: criteria provided, multiple submitters, no conflicts (2 of 4 stars). 2 submissions from 2 submitters: Likely benign (2). Last evaluated 2025-04-22.

Conditions:
Neuronal ceroid lipofuscinosis. Also called: Neuronal Ceroid Lipofuscinoses. Identifiers: Orphanet 216, Orphanet 79263, MedGen C0027877, MONDO:0016295. Disease mechanism: loss of function.

Allele frequency attached by ClinVar (database versions not stated): gnomAD 0.00002; ExAC 0.00003; TOPMed 0.00003; gnomAD exomes 0.00005.
gnomAD v4.1: 45 of 1,614,022 alleles (0.0028%); highest among the groups gnomAD compares: East Asian, 0.036%; no homozygotes.

Submissions (2):

Labcorp Genetics (formerly Invitae), Labcorp
Classification: Likely benign for Neuronal ceroid lipofuscinosis. Last evaluated: 2025-04-22. Review status: criteria provided, single submitter. Criteria: Invitae Variant Classification Sherloc (09022015). Collection method: clinical testing. Allele origin: germline.

GeneDx
Classification: Likely benign. Last evaluated: 2018-02-27. Review status: criteria provided, single submitter. Criteria: GeneDx Variant Classification (06012015). Collection method: clinical testing. Allele origin: germline. Affected: yes.
Comment: This variant is considered likely benign or benign based on one or more of the following criteria: it is a conservative change, it occurs at a poorly conserved position in the protein, it is predicted to be benign by multiple in silico algorithms, and/or has population frequency not consistent with disease.

NM_001042432.2(CLN3):c.243G>A (p.Pro81=)

Gene: CLN3 (CLN3 lysosomal/endosomal transmembrane protein, battenin; minus strand). Cytogenetic location: 16p12.1.
Variant type: single nucleotide variant.
Coding change: c.243G>A on transcript NM_001042432.2 (MANE Select); coding-DNA position 243, G replaced by A.
Protein change: p.Pro81=; no amino-acid change (proline 81 retained).
Molecular consequence: synonymous variant. On other transcripts: missense variant (1), intron variant (2).
Genome position (GRCh38, 1-based): chr16:28,488,642, C>T on the plus strand (G>A on the coding strand, the complement: CLN3 is on the minus strand). VCF-style: chr16-28488642-C-T. GRCh37 (hg19) VCF-style: chr16-28499963-C-T.
Other names: c.243G>A, p.Pro81= (NM_000086.2); c.23G>A, p.Arg8Gln (NM_001286105.2); c.81G>A, p.Pro27= (NM_001286110.2); c.60+648G>A (NM_001286109.2); c.222+648G>A (NM_001286104.2); short protein forms R8Q.
Identifiers: ClinVar variation 377685 (VCV000377685.9), dbSNP rs779165392, ClinGen allele CA7981006.
Genomic context (GRCh38, chr16:28,488,642, plus strand): 5'-AGTACGCACAGCCGTAGAGACAGAGTTGCAGTCAAATCGTGATGAGCTGTTGTGGGGGAT[C>T]GGCGTTGGGCCTGGGTCCACCTAATGGGAGAAAAGCATGTCTTTCACCCTGGAGGCAGAG-3'
Protein context (NP_001035897.1, residues 71-91): NQSHVDPGPT[Pro81=]IPHNSSSRFD